The following is an entry in ClinVar:

NM_000540.3(RYR1):c.7615-10T>C

Gene: RYR1 (ryanodine receptor 1; plus strand). Cytogenetic location: 19q13.2.
Variant type: single nucleotide variant.
Coding change: c.7615-10T>C on transcript NM_000540.3 (MANE Select); 10 bases into the intron before coding-DNA position 7615, T replaced by C.
Molecular consequence: intron variant.
Genome position (GRCh38, 1-based): chr19:38,502,497, T>C. VCF-style: chr19-38502497-T-C. GRCh37 (hg19) VCF-style: chr19-38993137-T-C.
Other names: c.7615-10T>C (NM_001042723.2).
Identifiers: ClinVar variation 1123866 (VCV001123866.11), dbSNP rs745489247, ClinGen allele CA069836.

ClinVar aggregate classification (germline): Likely benign. Review status: criteria provided, multiple submitters, no conflicts (2 of 4 stars). 3 submissions from 3 submitters: Likely benign (3). Last evaluated 2024-08-30.

Conditions:
RYR1-related disorder. Also called: RYR1-related condition; RYR1-related disorders. Identifiers: MedGen CN239331.
Malignant hyperthermia, susceptibility to, 1 (MHS1). Also called: Anesthesia related hyperthermia; Malignant hyperpyrexia; Fulminating hyperpyrexia; Pharmacogenic myopathy; Malignant hyperthermia suceptibility 1; RYR1-Related Malignant Hyperthermia Susceptibility. Identifiers: Orphanet 423, MedGen C2930980, MONDO:0007783, OMIM 145600.

Allele frequency attached by ClinVar (database versions not stated): gnomAD 0.00001; gnomAD exomes 0.00002; ExAC 0.00004.
gnomAD v4.1: 31 of 1,603,314 alleles (0.0019%); highest among the groups gnomAD compares: Non-Finnish European, 0.0025%; no homozygotes.

Submissions (3):

All of Us Research Program, National Institutes of Health
Classification: Likely benign for Malignant hyperthermia, susceptibility to, 1. Last evaluated: 2024-08-30. Review status: criteria provided, single submitter. Criteria: ACMG Guidelines, 2015. Collection method: clinical testing. Allele origin: germline. Inheritance: Autosomal dominant inheritance. Observed: 3 variant alleles, 3 heterozygotes.
Comment: This study involves interpretation of variants in research participants for the purpose of population health screening. Participant phenotype was not available at the time of variant classification. Additional details can be found in publication PMID: 35346344, PMCID: PMC8962531

Labcorp Genetics (formerly Invitae), Labcorp
Classification: Likely benign for RYR1-related disorder. Last evaluated: 2024-03-17. Review status: criteria provided, single submitter. Criteria: Invitae Variant Classification Sherloc (09022015). Collection method: clinical testing. Allele origin: germline.

Color Diagnostics, LLC DBA Color Health
Classification: Likely benign for Malignant hyperthermia, susceptibility to, 1. Last evaluated: 2022-12-12. Review status: criteria provided, single submitter. Criteria: ACMG Guidelines, 2015. Collection method: clinical testing. Allele origin: germline.